The following is an entry in ClinVar:

ClinVar aggregate classification (germline): Uncertain significance (1 of 4 stars; one submission).

Submission:

Labcorp Genetics (formerly Invitae), Labcorp
Classification: Uncertain significance. Last evaluated: 2025-08-29. Review status: criteria provided, single submitter. Criteria: Invitae Variant Classification Sherloc (09022015). Collection method: clinical testing. Allele origin: germline.
Comment: This variant, c.5001_5006del, results in the deletion of 2 amino acid(s) of the CASZ1 protein (p.Ala1669_Ala1670del), but otherwise preserves the integrity of the reading frame. The frequency data for this variant in the population databases is considered unreliable, as metrics indicate poor data quality at this position in the gnomAD database. This variant has not been reported in the literature in individuals affected with CASZ1-related conditions. Experimental studies and prediction algorithms are not available or were not evaluated, and the functional significance of this variant is currently unknown. In summary, the available evidence is currently insufficient to determine the role of this variant in disease. Therefore, it has been classified as a Variant of Uncertain Significance.

NM_001079843.3(CASZ1):c.4986CGC[5] (p.Ala1669_Ala1670del)

Gene: CASZ1 (castor zinc finger 1; minus strand). Cytogenetic location: 1p36.22.
Variant type: Microsatellite.
Coding change: c.4986CGC[5] on transcript NM_001079843.3 (MANE Select); five copies in a row of the 3-base unit CGC starting at c.4986; the reference has seven copies in a row; two copies, 6 bases deleted.
Protein change: p.Ala1669_Ala1670del.
Molecular consequence: inframe deletion.
Genome position (GRCh38, 1-based): chr1:10,639,216-10,639,221, GCGGCG deleted on the plus strand (CGCCGC on the coding strand, the reverse complement: CASZ1 is on the minus strand); deleting any 6 consecutive bases within chr1:10,639,216-10,639,236 gives the same sequence; the position shown is the placement nearest the transcript's 3' end. VCF-style (leftmost placement, unchanged base first): chr1-10639215-TGCGGCG-T. GRCh37 (hg19) VCF-style: chr1-10699272-TGCGGCG-T.
Identifiers: ClinVar variation 4737996 (VCV004737996.1).